The following is an entry in ClinVar:

ClinVar aggregate classification (germline): Uncertain significance (1 of 4 stars; one submission).

gnomAD v4.1: 1 of 1,593,758 alleles (0.000063%); highest among the groups gnomAD compares: Non-Finnish European, 0.000085%; no homozygotes.

Submission:

Labcorp Genetics (formerly Invitae), Labcorp
Classification: Uncertain significance. Last evaluated: 2022-01-11. Review status: criteria provided, single submitter. Criteria: Invitae Variant Classification Sherloc (09022015). Collection method: clinical testing. Allele origin: germline.
Comment: This sequence change replaces isoleucine, which is neutral and non-polar, with arginine, which is basic and polar, at codon 201 of the CCDC88A protein (p.Ile201Arg). This variant is present in population databases (no rsID available, gnomAD 0.007%). This variant has not been reported in the literature in individuals affected with CCDC88A-related conditions. Algorithms developed to predict the effect of missense changes on protein structure and function are either unavailable or do not agree on the potential impact of this missense change (SIFT: "Deleterious"; PolyPhen-2: "Possibly Damaging"; Align-GVGD: "Class C0"). In summary, the available evidence is currently insufficient to determine the role of this variant in disease. Therefore, it has been classified as a Variant of Uncertain Significance.

NM_001365480.1(CCDC88A):c.602T>G (p.Ile201Arg)

Gene: CCDC88A (coiled-coil domain containing 88A; minus strand). Cytogenetic location: 2p16.1.
Variant type: single nucleotide variant.
Coding change: c.602T>G on transcript NM_001365480.1 (MANE Select); coding-DNA position 602, T replaced by G.
Protein change: p.Ile201Arg; replaces isoleucine 201 with arginine.
Molecular consequence: missense variant.
Genome position (GRCh38, 1-based): chr2:55,362,333, A>C on the plus strand (T>G on the coding strand, the complement: CCDC88A is on the minus strand). VCF-style: chr2-55362333-A-C. GRCh37 (hg19) VCF-style: chr2-55589469-A-C.
Other names: c.602T>G, p.Ile201Arg (NM_001135597.2, NM_001254943.2, NM_018084.5); short protein forms I201R.
Identifiers: ClinVar variation 2042519 (VCV002042519.1), dbSNP rs1228312213, ClinGen allele CA346910250.